The following is an entry in ClinVar:

ClinVar aggregate classification (germline): Conflicting classifications of pathogenicity. Review status: criteria provided, conflicting classifications (1 of 4 stars). 2 submissions from 2 submitters: Uncertain significance (1); Likely benign (1). Last evaluated 2026-06-29.

Conditions:
Gorlin syndrome. Also called: Basal cell nevus syndrome; Nevoid Basal Cell Carcinoma Syndrome. Identifiers: Orphanet 377, MedGen C0004779, MONDO:0007187.
Hereditary cancer-predisposing syndrome. Also called: Tumor predisposition; Hereditary neoplastic syndrome; Neoplastic Syndromes, Hereditary; Hereditary Cancer Syndrome. Identifiers: Orphanet 140162, MedGen C0027672, MeSH D009386, MONDO:0015356.

Allele frequency attached by ClinVar (database versions not stated): TOPMed 0.00001.
gnomAD v4.1: 3 of 1,595,260 alleles (0.00019%); highest among the groups gnomAD compares: Non-Finnish European, 0.00017%; no homozygotes.

Submissions (2):

Ambry Genetics
Classification: Likely benign for Hereditary cancer-predisposing syndrome. Last evaluated: 2026-06-29. Review status: criteria provided, single submitter. Criteria: Ambry Variant Classification Scheme 2023. Collection method: clinical testing. Allele origin: germline.

Labcorp Genetics (formerly Invitae), Labcorp
Classification: Uncertain significance for Gorlin syndrome. Last evaluated: 2023-12-18. Review status: criteria provided, single submitter. Criteria: Invitae Variant Classification Sherloc (09022015). Collection method: clinical testing. Allele origin: germline.
Comment: This sequence change replaces serine, which is neutral and polar, with arginine, which is basic and polar, at codon 1216 of the PTCH1 protein (p.Ser1216Arg). This variant is not present in population databases (gnomAD no frequency). This variant has not been reported in the literature in individuals affected with PTCH1-related conditions. ClinVar contains an entry for this variant (Variation ID: 846314). Advanced modeling of protein sequence and biophysical properties (such as structural, functional, and spatial information, amino acid conservation, physicochemical variation, residue mobility, and thermodynamic stability) performed at Invitae indicates that this missense variant is not expected to disrupt PTCH1 protein function with a negative predictive value of 95%. In summary, the available evidence is currently insufficient to determine the role of this variant in disease. Therefore, it has been classified as a Variant of Uncertain Significance.

NM_000264.5(PTCH1):c.3648C>A (p.Ser1216Arg)

Gene: PTCH1 (patched 1; minus strand). Cytogenetic location: 9q22.32.
Variant type: single nucleotide variant.
Coding change: c.3648C>A on transcript NM_000264.5 (MANE Select); coding-DNA position 3648, C replaced by A.
Protein change: p.Ser1216Arg; replaces serine 1216 with arginine.
Molecular consequence: missense variant. On other transcripts: non-coding transcript variant (1).
Genome position (GRCh38, 1-based): chr9:95,449,225, G>T on the plus strand (C>A on the coding strand, the complement: PTCH1 is on the minus strand). VCF-style: chr9-95449225-G-T. GRCh37 (hg19) VCF-style: chr9-98211507-G-T.
Other names: c.3450C>A, p.Ser1150Arg (NM_001083602.3); c.3645C>A, p.Ser1215Arg (NM_001083603.3); c.3195C>A, p.Ser1065Arg (NM_001083604.3, NM_001083605.3, NM_001083606.3 and 1 more transcripts); c.3492C>A, p.Ser1164Arg (NM_001354918.2); short protein forms S1065R, S1164R, S1215R, S1216R, S1150R.
Identifiers: ClinVar variation 846314 (VCV000846314.8), dbSNP rs377608291, ClinGen allele CA374111225.